The following is an entry in ClinVar:

NM_015270.5(ADCY6):c.2894G>A (p.Arg965His)

Gene: ADCY6 (adenylate cyclase 6; minus strand). Cytogenetic location: 12q13.12.
Variant type: single nucleotide variant.
Coding change: c.2894G>A on transcript NM_015270.5 (MANE Select); coding-DNA position 2894, G replaced by A.
Protein change: p.Arg965His; replaces arginine 965 with histidine.
Molecular consequence: missense variant. On other transcripts: non-coding transcript variant (1).
Genome position (GRCh38, 1-based): chr12:48,771,867, C>T on the plus strand (G>A on the coding strand, the complement: ADCY6 is on the minus strand). VCF-style: chr12-48771867-C-T. GRCh37 (hg19) VCF-style: chr12-49165650-C-T.
Other names: c.2735G>A, p.Arg912His (NM_001390830.1); c.2894G>A, p.Arg965His (NM_001390831.2, NM_001412819.1, NM_001412820.1 and 2 more transcripts); short protein forms R912H, R965H.
Identifiers: ClinVar variation 3039504 (VCV003039504.2), dbSNP rs143958339, ClinGen allele CA6540816.

ClinVar aggregate classification (germline): Likely benign (0 of 4 stars; one submission).

Conditions:
ADCY6-related disorder. Also called: ADCY6-related condition.

Allele frequency attached by ClinVar (database versions not stated): TOPMed 0.00166; ESP Exome Variant Server 0.00200; ExAC 0.00100; gnomAD 0.00165; 1000 Genomes Project 0.00040; 1000 Genomes Project 30x 0.00047.

Submission:

PreventionGenetics, part of Exact Sciences
Classification: Likely benign for ADCY6-related condition. Last evaluated: 2022-02-26. Review status: no assertion criteria provided. Collection method: clinical testing. Allele origin: germline.
Comment: This variant is classified as likely benign based on ACMG/AMP sequence variant interpretation guidelines (Richards et al. 2015 PMID: 25741868, with internal and published modifications).